The following is an entry in ClinVar:

NM_000492.4(CFTR):c.2642T>C (p.Leu881Pro)

Gene: CFTR (CF transmembrane conductance regulator; plus strand). Cytogenetic location: 7q31.2.
Variant type: single nucleotide variant.
Coding change: c.2642T>C on transcript NM_000492.4 (MANE Select); coding-DNA position 2642, T replaced by C.
Protein change: p.Leu881Pro; replaces leucine 881 with proline.
Molecular consequence: missense variant.
Genome position (GRCh38, 1-based): chr7:117,602,848, T>C. VCF-style: chr7-117602848-T-C. GRCh37 (hg19) VCF-style: chr7-117242902-T-C.
Other names: short protein forms L881P.
Identifiers: ClinVar variation 1794211 (VCV001794211.2), dbSNP rs2485121084, ClinGen allele CA368986031.
Genomic context (GRCh38, chr7:117,602,848, plus strand): 5'-GTTAGAAAAAAAATCAACTGTGTCTTGTTCCATTCCAGGTGGCTGCTTCTTTGGTTGTGC[T>C]GTGGCTCCTTGGAAAGTGAGTATTCCATGTCCTATTGTGTAGATTGTGTTTTATTTCTGT-3'
Protein context (NP_000483.3, residues 871-891): LAEVAASLVV[Leu881Pro]WLLGNTPLQD

ClinVar aggregate classification (germline): Uncertain significance (1 of 4 stars; one submission).

Conditions:
Cystic fibrosis (CF). Also called: MUCOVISCIDOSIS. Identifiers: Orphanet 586, MedGen C0010674, MONDO:0009061, OMIM 219700. Disease mechanism: loss of function.

Allele frequency attached by ClinVar (database versions not stated): gnomAD exomes below 0.00001.
gnomAD v4.1: 3 of 1,613,944 alleles (0.00019%); highest among the groups gnomAD compares: Non-Finnish European, 0.00025%; no homozygotes.

Submission:

Ambry Genetics
Classification: Uncertain significance for Cystic fibrosis. Last evaluated: 2022-08-09. Review status: criteria provided, single submitter. Criteria: Ambry Variant Classification Scheme 2023. Collection method: clinical testing. Allele origin: germline.
Comment: The p.L881P variant (also known as c.2642T>C), located in coding exon 16 of the CFTR gene, results from a T to C substitution at nucleotide position 2642. The leucine at codon 881 is replaced by proline, an amino acid with similar properties. This amino acid position is conserved. In addition, this alteration is predicted to be deleterious by in silico analysis. Since supporting evidence is limited at this time, the clinical significance of this alteration remains unclear.